The following is an entry in ClinVar:

ClinVar aggregate classification (germline): Uncertain significance. Review status: criteria provided, multiple submitters, no conflicts (2 of 4 stars). 2 submissions from 2 submitters: Uncertain significance (2). Last evaluated 2021-08-24.

Conditions:
Familial sleep-related hypermotor epilepsy. Also called: Autosomal Dominant Sleep-Related Hypermotor (Hyperkinetic) Epilepsy. Identifiers: Orphanet 98784, MedGen C3696898, MONDO:0000030.
Autosomal dominant nocturnal frontal lobe epilepsy 1. Also called: CHRNA4-Related Nocturnal Frontal Lobe Epilepsy, Autosomal Dominant; EPILEPSY, NOCTURNAL FRONTAL LOBE, TYPE 1. Identifiers: Orphanet 98784, MedGen C1838049, MONDO:0010899, OMIM 600513.

Allele frequency attached by ClinVar (database versions not stated): gnomAD exomes below 0.00001; TOPMed below 0.00001.
gnomAD v4.1: 2 of 1,613,418 alleles (0.00012%); highest among the groups gnomAD compares: African/African-American, 0.0013%; no homozygotes.

Submissions (2):

Labcorp Genetics (formerly Invitae), Labcorp
Classification: Uncertain significance. Last evaluated: 2021-08-24. Review status: criteria provided, single submitter. Criteria: Invitae Variant Classification Sherloc (09022015). Collection method: clinical testing. Allele origin: germline.

Baylor Genetics
Classification: Uncertain significance for Autosomal dominant nocturnal frontal lobe epilepsy 1. Last evaluated: 2019-10-25. Review status: criteria provided, single submitter. Criteria: ACMG Guidelines, 2015. Collection method: clinical testing. Allele origin: unknown. Affected: yes.
Comment: This variant was determined to be of uncertain significance according to ACMG Guidelines, 2015 [PMID:25741868].

NM_000744.7(CHRNA4):c.1075A>G (p.Lys359Glu)

Gene: CHRNA4 (cholinergic receptor nicotinic alpha 4 subunit; minus strand). Cytogenetic location: 20q13.33.
Variant type: single nucleotide variant.
Coding change: c.1075A>G on transcript NM_000744.7 (MANE Select); coding-DNA position 1075, A replaced by G.
Protein change: p.Lys359Glu; replaces lysine 359 with glutamic acid.
Molecular consequence: missense variant. On other transcripts: non-coding transcript variant (1).
Genome position (GRCh38, 1-based): chr20:63,350,336, T>C on the plus strand (A>G on the coding strand, the complement: CHRNA4 is on the minus strand). VCF-style: chr20-63350336-T-C. GRCh37 (hg19) VCF-style: chr20-61981688-T-C.
Other names: c.547A>G, p.Lys183Glu (NM_001256573.2); short protein forms K183E, K359E.
Identifiers: ClinVar variation 1030887 (VCV001030887.5), dbSNP rs1555837732, ClinGen allele CA409635281.